The following is an entry in ClinVar:

ClinVar aggregate classification (germline): Uncertain significance. Review status: criteria provided, multiple submitters, no conflicts (2 of 4 stars). 6 submissions from 6 submitters: Uncertain significance (5). 1 of the submissions does not count toward it. Last evaluated 2026-01-08.

Conditions:
Hereditary cancer-predisposing syndrome. Also called: Tumor predisposition; Hereditary Cancer Syndrome; Neoplastic Syndromes, Hereditary; Hereditary neoplastic syndrome. Identifiers: Orphanet 140162, MedGen C0027672, MeSH D009386, MONDO:0015356.
Hereditary breast ovarian cancer syndrome. Also called: Breast and ovarian cancer; Hereditary breast and ovarian cancer; Hereditary breast and ovarian cancer syndrome; BRCA1- and BRCA2-Associated Hereditary Breast and Ovarian Cancer; Hereditary breast and ovarian cancer syndrome (HBOC); Hereditary breast and/or ovarian cancer syndrome. Identifiers: Orphanet 145, MedGen C0677776, MeSH D061325, MONDO:0003582. Disease mechanism: loss of function.
Familial cancer of breast. Also called: BREAST CANCER, FAMILIAL; hereditary breast carcinoma; Hereditary breast cancer. Identifiers: Orphanet 227535, MedGen C0346153, MONDO:0016419, OMIM 114480. Disease mechanism: loss of function.
Breast-ovarian cancer, familial, susceptibility to, 2 (BROVCA2). Also called: BRCA2 Hereditary Breast and Ovarian Cancer. Identifiers: Orphanet 145, MedGen C2675520, MONDO:0012933, OMIM 612555. Disease mechanism: loss of function.

Allele frequency attached by ClinVar (database versions not stated): gnomAD 0.00001; TOPMed 0.00001; ESP Exome Variant Server 0.00008.
gnomAD v4.1: 4 of 1,612,522 alleles (0.00025%); highest among the groups gnomAD compares: African/African-American, 0.0013%; no homozygotes.

Submissions (6):

Labcorp Genetics (formerly Invitae), Labcorp
Classification: Uncertain significance for Hereditary breast ovarian cancer syndrome. Last evaluated: 2026-01-08. Review status: criteria provided, single submitter. Criteria: Invitae Variant Classification Sherloc (09022015). Collection method: clinical testing. Allele origin: germline.
Comment: This sequence change replaces alanine, which is neutral and non-polar, with threonine, which is neutral and polar, at codon 199 of the BRCA2 protein (p.Ala199Thr). This variant is not present in population databases (gnomAD no frequency). This missense change has been observed in individual(s) with breast cancer (PMID: 20104584). ClinVar contains an entry for this variant (Variation ID: 91429). Invitae Evidence Modeling of protein sequence and biophysical properties (such as structural, functional, and spatial information, amino acid conservation, physicochemical variation, residue mobility, and thermodynamic stability) indicates that this missense variant is not expected to disrupt BRCA2 protein function with a negative predictive value of 95%. In summary, the available evidence is currently insufficient to determine the role of this variant in disease. Therefore, it has been classified as a Variant of Uncertain Significance.

Color Diagnostics, LLC DBA Color Health
Classification: Uncertain significance for Hereditary cancer-predisposing syndrome. Last evaluated: 2024-06-14. Review status: criteria provided, single submitter. Criteria: ACMG Guidelines, 2015. Collection method: clinical testing. Allele origin: germline.
Comment: This missense variant replaces alanine with threonine at codon 199 of the BRCA2 protein. Computational prediction suggests that this variant may not impact protein structure and function. To our knowledge, functional studies have not been reported for this variant. This variant has been reported in individuals affected with breast cancer (PMID: 20104584). This variant has not been identified in the general population by the Genome Aggregation Database (gnomAD). The available evidence is insufficient to determine the role of this variant in disease conclusively. Therefore, this variant is classified as a Variant of Uncertain Significance.

Ambry Genetics
Classification: Uncertain significance for Hereditary cancer-predisposing syndrome. Last evaluated: 2024-03-29. Review status: criteria provided, single submitter. Criteria: Ambry Variant Classification Scheme 2023. Collection method: clinical testing. Allele origin: germline.
Comment: The p.A199T variant (also known as c.595G>A), located in coding exon 6 of the BRCA2 gene, results from a G to A substitution at nucleotide position 595. The alanine at codon 199 is replaced by threonine, an amino acid with similar properties. This alteration was previously reported in 1 of 1398 unilateral breast cancer cases and 1 of 705 bilateral breast cancer cases in a population based cohort (Borg A et al. Hum Mutat, 2010 Mar;31:E1200-40). This amino acid position is highly conserved in available vertebrate species. In addition, this alteration is predicted to be tolerated by in silico analysis. Based on the available evidence, the clinical significance of this alteration remains unclear.

Baylor Genetics
Classification: Uncertain significance for Familial cancer of breast. Last evaluated: 2024-03-08. Review status: criteria provided, single submitter. Criteria: ACMG Guidelines, 2015. Collection method: clinical testing. Allele origin: unknown.

GeneDx
Classification: Uncertain significance. Last evaluated: 2023-09-01. Review status: criteria provided, single submitter. Criteria: GeneDx Variant Classification Process June 2021. Collection method: clinical testing. Allele origin: germline. Affected: yes.
Comment: Observed in individuals with bilateral or unilateral breast cancer in published literature (Borg et al., 2010); Not observed at significant frequency in large population cohorts (gnomAD); In silico analysis supports that this missense variant does not alter protein structure/function; Also known as 823G>T; This variant is associated with the following publications: (PMID: 31853058, 29884841, 31911673, 32377563, 20104584)

Sharing Clinical Reports Project (SCRP)
Classification: Uncertain significance for Breast-ovarian cancer, familial 2. Last evaluated: 2009-03-26. Review status: no assertion criteria provided. Collection method: clinical testing. Allele origin: germline. Not counted in ClinVar's aggregate classification.

Literature cited by the submitters: PubMed 20104584 (cited by 3 submitters).

NM_000059.4(BRCA2):c.595G>A (p.Ala199Thr)

Gene: BRCA2 (BRCA2 DNA repair associated; plus strand). Cytogenetic location: 13q13.1.
Variant type: single nucleotide variant.
Coding change: c.595G>A on transcript NM_000059.4 (MANE Select); coding-DNA position 595, G replaced by A.
Protein change: p.Ala199Thr; replaces alanine 199 with threonine.
Molecular consequence: missense variant.
Genome position (GRCh38, 1-based): chr13:32,326,577, G>A. VCF-style: chr13-32326577-G-A. GRCh37 (hg19) VCF-style: chr13-32900714-G-A.
Other names: 823G>A; short protein forms A199T.
Identifiers: ClinVar variation 91429 (VCV000091429.21), dbSNP rs376582345, ClinGen allele CA023420.
Genomic context (GRCh38, chr13:32,326,577, plus strand): 5'-CATATTTCTGAAAGTCTAGGAGCTGAGGTGGATCCTGATATGTCTTGGTCAAGTTCTTTA[G>A]CTACACCACCCACCCTTAGTTCTACTGTGCTCATAGGTAATAATAGCAAATGTGTATTTA-3'
Protein context (NP_000050.3, residues 189-209): DPDMSWSSSL[Ala199Thr]TPPTLSSTVL